The following is an entry in ClinVar:

ClinVar aggregate classification (germline): Uncertain significance (1 of 4 stars; one submission).

Submission:

Labcorp Genetics (formerly Invitae), Labcorp
Classification: Uncertain significance. Last evaluated: 2025-02-15. Review status: criteria provided, single submitter. Criteria: Invitae Variant Classification Sherloc (09022015). Collection method: clinical testing. Allele origin: germline.
Comment: This sequence change falls in intron 2 of the TNFRSF11A gene. It does not directly change the encoded amino acid sequence of the TNFRSF11A protein. It affects a nucleotide within the consensus splice site. This variant is not present in population databases (gnomAD no frequency). This variant has not been reported in the literature in individuals affected with TNFRSF11A-related conditions. Variants that disrupt the consensus splice site are a relatively common cause of aberrant splicing (PMID: 17576681, 9536098). Algorithms developed to predict the effect of sequence changes on RNA splicing suggest that this variant is not likely to affect RNA splicing. In summary, the available evidence is currently insufficient to determine the role of this variant in disease. Therefore, it has been classified as a Variant of Uncertain Significance.

Literature cited by the submitters: PubMed 17576681; PubMed 9536098.

NM_003839.4(TNFRSF11A):c.157+5A>C

Gene: TNFRSF11A (TNF receptor superfamily member 11a; plus strand). Cytogenetic location: 18q21.33.
Variant type: single nucleotide variant.
Coding change: c.157+5A>C on transcript NM_003839.4 (MANE Select); 5 bases into the intron after coding-DNA position 157, A replaced by C.
Molecular consequence: intron variant.
Genome position (GRCh38, 1-based): chr18:62,348,254, A>C. VCF-style: chr18-62348254-A-C. GRCh37 (hg19) VCF-style: chr18-60015487-A-C.
Other names: c.157+5A>C (NM_001270949.2, NM_001270950.2, NM_001270951.2 and 1 more transcripts).
Identifiers: ClinVar variation 4773572 (VCV004773572.1).